The following is an entry in ClinVar:

ClinVar aggregate classification (germline): Uncertain significance (1 of 4 stars; one submission).

Allele frequency attached by ClinVar (database versions not stated): TOPMed below 0.00001; gnomAD exomes 0.00001.
gnomAD v4.1: 5 of 1,614,018 alleles (0.00031%); highest among the groups gnomAD compares: Admixed American, 0.0067%; no homozygotes.

Submission:

Labcorp Genetics (formerly Invitae), Labcorp
Classification: Uncertain significance. Last evaluated: 2023-09-23. Review status: criteria provided, single submitter. Criteria: Invitae Variant Classification Sherloc (09022015). Collection method: clinical testing. Allele origin: germline.
Comment: This variant has not been reported in the literature in individuals affected with TECTA-related conditions. In summary, the available evidence is currently insufficient to determine the role of this variant in disease. Therefore, it has been classified as a Variant of Uncertain Significance. Advanced modeling of protein sequence and biophysical properties (such as structural, functional, and spatial information, amino acid conservation, physicochemical variation, residue mobility, and thermodynamic stability) performed at Invitae indicates that this missense variant is not expected to disrupt TECTA protein function. This variant is present in population databases (no rsID available, gnomAD 0.009%). This sequence change replaces glutamine, which is neutral and polar, with arginine, which is basic and polar, at codon 569 of the TECTA protein (p.Gln569Arg).

NM_005422.4(TECTA):c.1706A>G (p.Gln569Arg)

Genes: TBCEL-TECTA (TBCEL-TECTA readthrough; plus strand), TECTA (tectorin alpha; plus strand). Cytogenetic location: 11q23.3.
Variant type: single nucleotide variant.
Coding change: c.1706A>G on transcript NM_005422.4 (MANE Select); coding-DNA position 1706, A replaced by G.
Protein change: p.Gln569Arg; replaces glutamine 569 with arginine.
Molecular consequence: missense variant.
Genome position (GRCh38, 1-based): chr11:121,125,804, A>G. VCF-style: chr11-121125804-A-G. GRCh37 (hg19) VCF-style: chr11-120996513-A-G.
Other names: c.2663A>G, p.Gln888Arg (NM_001378761.1); short protein forms Q888R, Q569R.
Identifiers: ClinVar variation 2869346 (VCV002869346.3), dbSNP rs1421553970, ClinGen allele CA383012535.